The following is an entry in ClinVar:

ClinVar aggregate classification (germline): Uncertain significance (1 of 4 stars; one submission).

Conditions:
Developmental and epileptic encephalopathy, 53. Also called: Epileptic encephalopathy, early infantile, 53. Identifiers: MedGen C4479313, MONDO:0033362, OMIM 617389.
Early-onset Parkinson disease 20. Also called: PARKINSON DISEASE 20, AUTOSOMAL RECESSIVE EARLY-ONSET. Identifiers: Orphanet 391411, MedGen C3809824, MONDO:0014233, OMIM 615530.

gnomAD v4.1: 5 of 1,609,780 alleles (0.00031%); highest among the groups gnomAD compares: Non-Finnish European, 0.00042%; no homozygotes.

Submission:

Labcorp Genetics (formerly Invitae), Labcorp
Classification: Uncertain significance for Developmental and epileptic encephalopathy, 53; Early-onset Parkinson disease 20. Last evaluated: 2021-04-14. Review status: criteria provided, single submitter. Criteria: Invitae Variant Classification Sherloc (09022015). Collection method: clinical testing. Allele origin: germline.
Comment: In summary, the available evidence is currently insufficient to determine the role of this variant in disease. Therefore, it has been classified as a Variant of Uncertain Significance. Algorithms developed to predict the effect of missense changes on protein structure and function are either unavailable or do not agree on the potential impact of this missense change (SIFT: "Deleterious"; PolyPhen-2: "Probably Damaging"; Align-GVGD: "Class C0"). This variant has not been reported in the literature in individuals with SYNJ1-related conditions. This variant is present in population databases (rs61752550, ExAC 0.002%). This sequence change replaces proline with arginine at codon 1235 of the SYNJ1 protein (p.Pro1235Arg). The proline residue is moderately conserved and there is a moderate physicochemical difference between proline and arginine.

NM_203446.3(SYNJ1):c.3587C>G (p.Pro1196Arg)

Gene: SYNJ1 (synaptojanin 1; minus strand). Cytogenetic location: 21q22.11.
Variant type: single nucleotide variant.
Coding change: c.3587C>G on transcript NM_203446.3 (MANE Select); coding-DNA position 3587, C replaced by G.
Protein change: p.Pro1196Arg; replaces proline 1196 with arginine.
Molecular consequence: missense variant.
Genome position (GRCh38, 1-based): chr21:32,641,897, G>C on the plus strand (C>G on the coding strand, the complement: SYNJ1 is on the minus strand). VCF-style: chr21-32641897-G-C. GRCh37 (hg19) VCF-style: chr21-34014207-G-C.
Other names: c.3539C>G, p.Pro1180Arg (NM_001160302.2); c.3446C>G, p.Pro1149Arg (NM_001160306.2); c.3704C>G, p.Pro1235Arg (NM_003895.4); short protein forms P1149R, P1180R, P1235R, P1196R.
Identifiers: ClinVar variation 1439859 (VCV001439859.6), dbSNP rs61752550, ClinGen allele CA10003338.